The following is an entry in ClinVar:

NM_018059.5(RADIL):c.897C>T (p.Thr299=)

Gene: RADIL (Rap associating with DIL domain; minus strand). Cytogenetic location: 7p22.1.
Variant type: single nucleotide variant.
Coding change: c.897C>T on transcript NM_018059.5 (MANE Select); coding-DNA position 897, C replaced by T.
Protein change: p.Thr299=; no amino-acid change (threonine 299 retained).
Molecular consequence: synonymous variant.
Genome position (GRCh38, 1-based): chr7:4,835,126, G>A on the plus strand (C>T on the coding strand, the complement: RADIL is on the minus strand). VCF-style: chr7-4835126-G-A. GRCh37 (hg19) VCF-style: chr7-4874757-G-A.
Identifiers: ClinVar variation 2657262 (VCV002657262.24), dbSNP rs184696145, ClinGen allele CA4139549.
Genomic context (GRCh38, chr7:4,835,126, plus strand): 5'-GGGCTCCAGGACCAGCCTCCCCGCGGCCTGGCCGCTGTCCGGGAGCGGTTGCCGGCGGAT[G>A]GTGCAGTGTAGAGGCAGGATGTCGGGGGCTGAGAGGCTGATGCTGGGCTTGCTGGAGGGG-3'
Protein context (NP_060529.4, residues 289-309): SAPDILPLHC[Thr299=]IRRQPLPDSG

ClinVar aggregate classification (germline): Likely benign (1 of 4 stars; one submission).

Allele frequency attached by ClinVar (database versions not stated): gnomAD exomes 0.00023; ExAC 0.00059; ESP Exome Variant Server 0.00158; gnomAD 0.00216; TOPMed 0.00252; 1000 Genomes Project 0.00260; 1000 Genomes Project 30x 0.00297.
gnomAD v4.1: 678 of 1,609,976 alleles (0.042%); highest among the groups gnomAD compares: African/African-American, 0.74%; 1 homozygote.

Submission:

CeGaT Center for Human Genetics Tuebingen
Classification: Likely benign. Last evaluated: 2022-06-01. Review status: criteria provided, single submitter. Criteria: CeGaT Center For Human Genetics Tuebingen Variant Classification Criteria Version 2. Collection method: clinical testing. Allele origin: germline. Affected: yes. Observed: 1 variant allele.
Comment: RADIL: BP4, BP7